The following is an entry in ClinVar:

NM_001032283.3(TMPO):c.565+1197A>G

Gene: TMPO (thymopoietin; plus strand). Cytogenetic location: 12q23.1.
Variant type: single nucleotide variant.
Coding change: c.565+1197A>G on transcript NM_001032283.3 (MANE Select); 1197 bases into the intron after coding-DNA position 565, A replaced by G.
Molecular consequence: intron variant. On other transcripts: missense variant (1).
Genome position (GRCh38, 1-based): chr12:98,533,035, A>G. VCF-style: chr12-98533035-A-G. GRCh37 (hg19) VCF-style: chr12-98926813-A-G.
Other names: c.778A>G, p.Asn260Asp (NM_003276.2); c.565+1197A>G (NM_001307975.2, NM_001032284.3); short protein forms N260D.
Identifiers: ClinVar variation 3223185 (VCV003223185.2), dbSNP rs1592944808, ClinGen allele CA386151783.

ClinVar aggregate classification (germline): Uncertain significance. Review status: criteria provided, multiple submitters, no conflicts (2 of 4 stars). 2 submissions from 2 submitters: Uncertain significance (2). Last evaluated 2025-09-22.

Conditions:
Loeys-Dietz syndrome 2 (LDS2). Also called: TGFBR2-Related Loeys-Dietz Syndrome; AORTIC ANEURYSM, FAMILIAL THORACIC 3; MARFAN SYNDROME, TYPE II; Marfan syndrome, type 2 (formerly); Marfan Syndrome type 2; Marfan like connective tissue disorder. Identifiers: Orphanet 284973, Orphanet 558, MedGen C2674574, MONDO:0012427, OMIM 610168.

Allele frequency attached by ClinVar (database versions not stated): gnomAD exomes below 0.00001.
gnomAD v4.1: 1 of 1,613,650 alleles (0.000062%); highest among the groups gnomAD compares: South Asian, 0.0011%; no homozygotes.

Submissions (2):

Labcorp Genetics (formerly Invitae), Labcorp
Classification: Uncertain significance for Loeys-Dietz syndrome 2. Last evaluated: 2025-09-22. Review status: criteria provided, single submitter. Criteria: Invitae Variant Classification Sherloc (09022015). Collection method: clinical testing. Allele origin: germline.
Comment: This sequence change replaces asparagine, which is neutral and polar, with aspartic acid, which is acidic and polar, at codon 260 of the TMPO protein (p.Asn260Asp). This variant is not present in population databases (gnomAD no frequency). This variant has not been reported in the literature in individuals affected with TMPO-related conditions. ClinVar contains an entry for this variant (Variation ID: 3223185). Invitae Evidence Modeling of protein sequence and biophysical properties (such as structural, functional, and spatial information, amino acid conservation, physicochemical variation, residue mobility, and thermodynamic stability) indicates that this missense variant is not expected to disrupt TMPO protein function with a negative predictive value of 80%. In summary, the available evidence is currently insufficient to determine the role of this variant in disease. Therefore, it has been classified as a Variant of Uncertain Significance.

Ambry Genetics
Classification: Uncertain significance. Last evaluated: 2024-02-22. Review status: criteria provided, single submitter. Criteria: Ambry Variant Classification Scheme 2023. Collection method: clinical testing. Allele origin: germline.
Comment: The p.N260D variant (also known as c.778A>G), located in coding exon 4 of the TMPO gene, results from an A to G substitution at nucleotide position 778. The asparagine at codon 260 is replaced by aspartic acid, an amino acid with highly similar properties. This amino acid position is conserved. In addition, this alteration is predicted to be tolerated by in silico analysis. Based on the available evidence, the clinical significance of this alteration remains unclear.